The following is an entry in ClinVar:

ClinVar aggregate classification (germline): Likely benign (1 of 4 stars; one submission).

Conditions:
VCAN-related disorder. Also called: VCAN-related condition.

Submission:

PreventionGenetics, part of Exact Sciences
Classification: Likely benign for VCAN-related condition. Last evaluated: 2025-04-17. Review status: criteria provided, single submitter. Criteria: ACMG Guidelines, 2015. Collection method: clinical testing. Allele origin: germline.
Comment: This variant is classified as likely benign based on ACMG/AMP sequence variant interpretation guidelines (Richards et al. 2015 PMID: 25741868, with internal and published modifications).

NM_004385.5(VCAN):c.8529C>A (p.Ile2843=)

Genes: VCAN (versican; plus strand), VCAN-AS1 (VCAN antisense RNA 1; minus strand). Cytogenetic location: 5q14.3.
Variant type: single nucleotide variant.
Coding change: c.8529C>A on transcript NM_004385.5 (MANE Select); coding-DNA position 8529, C replaced by A.
Protein change: p.Ile2843=; no amino-acid change (isoleucine 2843 retained).
Molecular consequence: synonymous variant. On other transcripts: intron variant (2).
Genome position (GRCh38, 1-based): chr5:83,541,532, C>A. VCF-style: chr5-83541532-C-A. GRCh37 (hg19) VCF-style: chr5-82837351-C-A.
Other names: c.5568C>A, p.Ile1856= (NM_001164097.2); c.4004-4005C>A (NM_001164098.2); c.1043-4005C>A (NM_001126336.3).
Identifiers: ClinVar variation 4999536 (VCV004999536.1).